The following is an entry in ClinVar:

ClinVar aggregate classification (germline): Uncertain significance (1 of 4 stars; one submission).

Conditions:
Immunodeficiency 51 (IMD51). Also called: CANDIDIASIS, FAMILIAL, 5. Identifiers: Orphanet 1334, MedGen C4310803, MONDO:0013500, OMIM 613953.

gnomAD v4.1: 3 of 1,614,070 alleles (0.00019%); highest among the groups gnomAD compares: Non-Finnish European, 0.00025%; no homozygotes.

Submission:

Labcorp Genetics (formerly Invitae), Labcorp
Classification: Uncertain significance for Immunodeficiency 51. Last evaluated: 2021-12-27. Review status: criteria provided, single submitter. Criteria: Invitae Variant Classification Sherloc (09022015). Collection method: clinical testing. Allele origin: germline.
Comment: This sequence change replaces cysteine, which is neutral and slightly polar, with tryptophan, which is neutral and slightly polar, at codon 126 of the IL17RA protein (p.Cys126Trp). This variant is present in population databases (no rsID available, gnomAD 0.0009%). This variant has not been reported in the literature in individuals affected with IL17RA-related conditions. Algorithms developed to predict the effect of missense changes on protein structure and function are either unavailable or do not agree on the potential impact of this missense change (SIFT: "Deleterious"; PolyPhen-2: "Probably Damaging"; Align-GVGD: "Class C0"). In summary, the available evidence is currently insufficient to determine the role of this variant in disease. Therefore, it has been classified as a Variant of Uncertain Significance.

NM_014339.7(IL17RA):c.378C>G (p.Cys126Trp)

Gene: IL17RA (interleukin 17 receptor A; plus strand). Cytogenetic location: 22q11.1.
Variant type: single nucleotide variant.
Coding change: c.378C>G on transcript NM_014339.7 (MANE Select); coding-DNA position 378, C replaced by G.
Protein change: p.Cys126Trp; replaces cysteine 126 with tryptophan.
Molecular consequence: missense variant.
Genome position (GRCh38, 1-based): chr22:17,098,842, C>G. VCF-style: chr22-17098842-C-G. GRCh37 (hg19) VCF-style: chr22-17579732-C-G.
Other names: c.378C>G, p.Cys126Trp (NM_001289905.2); short protein forms C126W.
Identifiers: ClinVar variation 1938723 (VCV001938723.2), dbSNP rs757924870, ClinGen allele CA410211393.